The following is an entry in ClinVar:

ClinVar aggregate classification (germline): Uncertain significance (1 of 4 stars; one submission).

Allele frequency attached by ClinVar (database versions not stated): gnomAD exomes below 0.00001; TOPMed below 0.00001.
gnomAD v4.1: 2 of 1,613,944 alleles (0.00012%); highest among the groups gnomAD compares: East Asian, 0.0022%; no homozygotes.

Submission:

Labcorp Genetics (formerly Invitae), Labcorp
Classification: Uncertain significance. Last evaluated: 2021-12-02. Review status: criteria provided, single submitter. Criteria: Invitae Variant Classification Sherloc (09022015). Collection method: clinical testing. Allele origin: germline.
Comment: This sequence change replaces proline with arginine at codon 2258 of the ANK3 protein (p.Pro2258Arg). The proline residue is moderately conserved and there is a moderate physicochemical difference between proline and arginine. In summary, the available evidence is currently insufficient to determine the role of this variant in disease. Therefore, it has been classified as a Variant of Uncertain Significance. Algorithms developed to predict the effect of missense changes on protein structure and function are either unavailable or do not agree on the potential impact of this missense change (SIFT: "Not Available"; PolyPhen-2: "Probably Damaging"; Align-GVGD: "Not Available"). This variant has not been reported in the literature in individuals affected with ANK3-related conditions. This variant is present in population databases (no rsID available, gnomAD 0.003%).

NM_020987.5(ANK3):c.6773C>G (p.Pro2258Arg)

Genes: ANK3 (ankyrin 3; minus strand), LOC130003862 (ATAC-STARR-seq lymphoblastoid active region 3393; plus strand). Cytogenetic location: 10q21.2.
Variant type: single nucleotide variant.
Coding change: c.6773C>G on transcript NM_020987.5 (MANE Select); coding-DNA position 6773, C replaced by G.
Protein change: p.Pro2258Arg; replaces proline 2258 with arginine.
Molecular consequence: missense variant. On other transcripts: intron variant (4).
Genome position (GRCh38, 1-based): chr10:60,074,108, G>C on the plus strand (C>G on the coding strand, the complement: ANK3 is on the minus strand). VCF-style: chr10-60074108-G-C. GRCh37 (hg19) VCF-style: chr10-61833866-G-C.
Other names: c.4388-6099C>G (NM_001204403.2); c.4409-6099C>G (NM_001204404.2); c.4406-6099C>G (NM_001320874.2); c.1808-6099C>G (NM_001149.4); short protein forms P2258R.
Identifiers: ClinVar variation 1473518 (VCV001473518.6), dbSNP rs1259099716, ClinGen allele CA377011942.
Genomic context (GRCh38, chr10:60,074,108, plus strand): 5'-TTCATGATGTCATGGACTGACATGGTTTCTTCAATTCTTTCAGATGCACCTTCACCGCCT[G>C]GTGGAGAATGATAAACCATTCTGGTGGTTGTGGTTATGTGAGTCTCTTCTTTAACACGCA-3'
Protein context (NP_066267.2, residues 2248-2268): TTTRMVYHSP[Pro2258Arg]GGEGASERIE